The following is an entry in ClinVar:

NM_001009944.3(PKD1):c.9849C>A (p.Cys3283Ter)

Gene: PKD1 (polycystin 1, transient receptor potential channel interacting; minus strand). Cytogenetic location: 16p13.3.
Variant type: single nucleotide variant.
Coding change: c.9849C>A on transcript NM_001009944.3 (MANE Select); coding-DNA position 9849, C replaced by A.
Protein change: p.Cys3283Ter; replaces cysteine 3283 with a stop codon.
Molecular consequence: nonsense.
Genome position (GRCh38, 1-based): chr16:2,099,935, G>T on the plus strand (C>A on the coding strand, the complement: PKD1 is on the minus strand). VCF-style: chr16-2099935-G-T. GRCh37 (hg19) VCF-style: chr16-2149936-G-T.
Other names: c.9849C>A, p.Cys3283Ter (NM_000296.4); short protein forms C3283*.
Identifiers: ClinVar variation 5018881 (VCV005018881.1).

ClinVar aggregate classification (germline): Pathogenic (1 of 4 stars; one submission).

Conditions:
Polycystic kidney disease, adult type (PKD1). Also called: Polycystic Kidney, Autosomal Dominant; POLYCYSTIC KIDNEY DISEASE, ADULT, TYPE I; Polycystic Kidney Disease 1, Autosomal Dominant; Polycystic kidney disease 1; Polycystic kidney disease 1, severe; POLYCYSTIC KIDNEY DISEASE 1 WITH OR WITHOUT POLYCYSTIC LIVER DISEASE. Identifiers: MedGen C3149841, MONDO:0008263, OMIM 173900.

Submission:

Juno Genomics, Hangzhou Juno Genomics, Inc
Classification: Pathogenic for Polycystic kidney disease, adult type. Review status: criteria provided, single submitter. Criteria: ACMG Guidelines, 2015. Collection method: clinical testing. Allele origin: germline. Affected: yes.
Comment: Absent from controls (or at extremely low frequency if recessive) in Genome Aggregation Database.;Null variant in a gene where loss of function (LOF) is a known mechanism of disease.;Patient's phenotype or family history is highly specific for a disease with a single genetic etiology.